The following is an entry in ClinVar:

ClinVar aggregate classification (germline): Uncertain significance (1 of 4 stars; one submission).

Conditions:
Long QT syndrome (LQTS). Identifiers: MedGen C0023976, MeSH D008133, MONDO:0002442. Disease mechanism: loss of function. Inheritance: Various modes of inheritance.

Submission:

Labcorp Genetics (formerly Invitae), Labcorp
Classification: Uncertain significance for Long QT syndrome. Last evaluated: 2021-08-23. Review status: criteria provided, single submitter. Criteria: Invitae Variant Classification Sherloc (09022015). Collection method: clinical testing. Allele origin: germline.
Comment: This sequence change replaces histidine with glutamine at codon 1843 of the CACNA1C protein (p.His1843Gln). The histidine residue is weakly conserved and there is a small physicochemical difference between histidine and glutamine. This variant has not been reported in the literature in individuals affected with CACNA1C-related conditions. Algorithms developed to predict the effect of missense changes on protein structure and function (SIFT, PolyPhen-2, Align-GVGD) all suggest that this variant is likely to be tolerated. In summary, the available evidence is currently insufficient to determine the role of this variant in disease. Therefore, it has been classified as a Variant of Uncertain Significance. This variant is present in population databases (rs371831239, ExAC 0.002%).

NM_000719.7(CACNA1C):c.5529T>G (p.His1843Gln)

Genes: CACNA1C (calcium voltage-gated channel subunit alpha1 C; plus strand), CACNA1C-AS1 (CACNA1C antisense RNA 1; minus strand). Cytogenetic location: 12p13.33.
Variant type: single nucleotide variant.
Coding change: c.5529T>G on transcript NM_000719.7 (MANE Select); coding-DNA position 5529, T replaced by G.
Protein change: p.His1843Gln; replaces histidine 1843 with glutamine.
Molecular consequence: missense variant.
Genome position (GRCh38, 1-based): chr12:2,682,634, T>G. VCF-style: chr12-2682634-T-G. GRCh37 (hg19) VCF-style: chr12-2791800-T-G.
Other names: c.5673T>G, p.His1891Gln (NM_001129827.2); c.5652T>G, p.His1884Gln (NM_001129829.2); c.5634T>G, p.His1878Gln (NM_001129830.3, NM_001167624.3); c.5613T>G, p.His1871Gln (NM_001129831.2); c.5589T>G, p.His1863Gln (NM_001129832.2); c.5586T>G, p.His1862Gln (NM_001129833.2, NM_001129834.2, NM_001129835.2); c.5496T>G, p.His1832Gln (NM_001129846.2); c.5529T>G, p.His1843Gln (NM_001167623.2, NM_001129840.2, NM_001129841.2 and 2 more transcripts); and 6 more; short protein forms H1832Q, H1840Q, H1863Q, H1871Q, H1843Q, H1851Q, H1860Q, H1862Q.
Identifiers: ClinVar variation 1377119 (VCV001377119.6), dbSNP rs371831239, ClinGen allele CA6389881.
Genomic context (GRCh38, chr12:2,682,634, plus strand): 5'-AGCCATGGCGGGTCAGGAGGAGACGTCTCAGGATGAGACCTATGAAGTGAAGATGAACCA[T>G]GACACGGAGGCCTGCAGTGAGCCCAGCCTGCTCTCCACAGAGATGTGAGCTCTGCTGCCC-3'
Protein context (NP_000710.5, residues 1833-1853): QDETYEVKMN[His1843Gln]DTEACSEPSL